The following is an entry in ClinVar:

ClinVar aggregate classification (germline): Uncertain significance (1 of 4 stars; one submission).

Conditions:
Haddad syndrome (OHD). Also called: Ondine-Hirschsprung disease. Identifiers: Orphanet 99803, MedGen C1859049, MONDO:0020493.

Allele frequency attached by ClinVar (database versions not stated): gnomAD exomes below 0.00001; gnomAD 0.00001.
gnomAD v4.1: 4 of 1,603,542 alleles (0.00025%); highest among the groups gnomAD compares: Non-Finnish European, 0.00025%; no homozygotes.

Submission:

Labcorp Genetics (formerly Invitae), Labcorp
Classification: Uncertain significance for Haddad syndrome. Last evaluated: 2023-04-09. Review status: criteria provided, single submitter. Criteria: Invitae Variant Classification Sherloc (09022015). Collection method: clinical testing. Allele origin: germline.
Comment: ClinVar contains an entry for this variant (Variation ID: 1514487). This variant has not been reported in the literature in individuals affected with PHOX2B-related conditions. The frequency data for this variant in the population databases is considered unreliable, as metrics indicate poor data quality at this position in the gnomAD database. This sequence change falls in intron 2 of the PHOX2B gene. It does not directly change the encoded amino acid sequence of the PHOX2B protein. It affects a nucleotide within the consensus splice site. Variants that disrupt the consensus splice site are a relatively common cause of aberrant splicing (PMID: 17576681, 9536098). Algorithms developed to predict the effect of sequence changes on RNA splicing suggest that this variant is not likely to affect RNA splicing. In summary, the available evidence is currently insufficient to determine the role of this variant in disease. Therefore, it has been classified as a Variant of Uncertain Significance.

Literature cited by the submitters: PubMed 17576681; PubMed 9536098.

NM_003924.4(PHOX2B):c.429+6C>A

Gene: PHOX2B (paired like homeobox 2B; minus strand). Cytogenetic location: 4p13.
Variant type: single nucleotide variant.
Coding change: c.429+6C>A on transcript NM_003924.4 (MANE Select); 6 bases into the intron after coding-DNA position 429, C replaced by A.
Molecular consequence: intron variant.
Genome position (GRCh38, 1-based): chr4:41,747,343, G>T on the plus strand (C>A on the coding strand, the complement: PHOX2B is on the minus strand). VCF-style: chr4-41747343-G-T. GRCh37 (hg19) VCF-style: chr4-41749360-G-T.
Identifiers: ClinVar variation 1514487 (VCV001514487.6), dbSNP rs1413093395, ClinGen allele CA551141212.